The following is an entry in ClinVar:

ClinVar aggregate classification (germline): Likely benign. Review status: criteria provided, multiple submitters, no conflicts (2 of 4 stars). 2 submissions from 2 submitters: Likely benign (2). Last evaluated 2026-01-04.

Conditions:
NARS2-related disorder. Also called: NARS2-related condition.

Allele frequency attached by ClinVar (database versions not stated): ESP Exome Variant Server 0.00008; ExAC 0.00004; gnomAD 0.00005; TOPMed 0.00007.
gnomAD v4.1: 82 of 1,613,916 alleles (0.0051%); highest among the groups gnomAD compares: Middle Eastern, 0.033%; 1 homozygote.

Submissions (2):

PreventionGenetics, part of Exact Sciences
Classification: Likely benign for NARS2-related condition. Last evaluated: 2026-01-04. Review status: criteria provided, single submitter. Criteria: ACMG Guidelines, 2015. Collection method: clinical testing. Allele origin: germline.
Comment: This variant is classified as likely benign based on ACMG/AMP sequence variant interpretation guidelines (Richards et al. 2015 PMID: 25741868, with internal and published modifications).

Labcorp Genetics (formerly Invitae), Labcorp
Classification: Likely benign. Last evaluated: 2025-07-31. Review status: criteria provided, single submitter. Criteria: Invitae Variant Classification Sherloc (09022015). Collection method: clinical testing. Allele origin: germline.

NM_024678.6(NARS2):c.1209T>C (p.Phe403=)

Gene: NARS2 (asparaginyl-tRNA synthetase 2, mitochondrial; minus strand). Cytogenetic location: 11q14.1.
Variant type: single nucleotide variant.
Coding change: c.1209T>C on transcript NM_024678.6 (MANE Select); coding-DNA position 1209, T replaced by C.
Protein change: p.Phe403=; no amino-acid change (phenylalanine 403 retained).
Molecular consequence: synonymous variant.
Genome position (GRCh38, 1-based): chr11:78,443,714, A>G on the plus strand (T>C on the coding strand, the complement: NARS2 is on the minus strand). VCF-style: chr11-78443714-A-G. GRCh37 (hg19) VCF-style: chr11-78154760-A-G.
Other names: c.528T>C, p.Phe176= (NM_001243251.2); c.1209T>C (NM_024678.5).
Identifiers: ClinVar variation 1902683 (VCV001902683.6), dbSNP rs143460012, ClinGen allele CA6205553.